The following is an entry in ClinVar:

NM_015346.4(ZFYVE26):c.549delinsAA (p.Leu184fs)

Gene: ZFYVE26 (zinc finger FYVE-type containing 26; minus strand). Cytogenetic location: 14q24.1.
Variant type: Indel.
Coding change: c.549delinsAA on transcript NM_015346.4 (MANE Select); coding-DNA position 549, C replaced by AA.
Protein change: p.Leu184fs; shifts the reading frame from leucine 184.
Molecular consequence: frameshift variant.
Genome position (GRCh38, 1-based): chr14:67,807,735, G replaced by TT on the plus strand (C replaced by AA on the coding strand, the reverse complement: ZFYVE26 is on the minus strand). VCF-style: chr14-67807735-G-TT. GRCh37 (hg19) VCF-style: chr14-68274452-G-TT.
Other names: short protein forms L184fs.
Identifiers: ClinVar variation 5015407 (VCV005015407.1).
Genomic context (GRCh38, chr14:67,807,735, plus strand): 5'-AGCCCGCAATGCCTTTCGAATGAGGTCCACCAGTGCATTCTGCAGAGGCCAGTGACAGAG[G>TT]CCAGTACCGTCATCCTCCTCAAGCAGGAGCTCCAGCAGGGCCTGTGCTGGCTGGGGAGAC-3'

ClinVar aggregate classification (germline): Pathogenic (1 of 4 stars; one submission).

Conditions:
Hereditary spastic paraplegia 15 (SPG15). Also called: SPASTIC PARAPLEGIA 15, AUTOSOMAL RECESSIVE; KJELLIN SYNDROME; SPASTIC PARAPLEGIA AND RETINAL DEGENERATION. Identifiers: Orphanet 100996, MedGen C1849128, MONDO:0010044, OMIM 270700.

Submission:

Myriad Genetics, Inc.
Classification: Pathogenic for Hereditary spastic paraplegia 15. Last evaluated: 2026-01-11. Review status: criteria provided, single submitter. Criteria: Myriad Autosomal Dominant, Autosomal Recessive and X-Linked Classification Criteria (2023). Collection method: clinical testing. Allele origin: unknown.
Comment: NM_015346.3(ZFYVE26):c.549delCinsAA(L184Tfs*25) is expected to be pathogenic in the context of spastic paraplegia type 15. This variant is predicted to lead to an abnormal or absent protein product due to the creation of a premature termination codon in ZFYVE26, a gene where loss-of-function variants are known to be pathogenic. Please note: this variant was assessed in the context of healthy population screening.